The following is an entry in ClinVar:

ClinVar aggregate classification (germline): Uncertain significance (1 of 4 stars; one submission).

Submission:

Labcorp Genetics (formerly Invitae), Labcorp
Classification: Uncertain significance. Last evaluated: 2023-08-06. Review status: criteria provided, single submitter. Criteria: Invitae Variant Classification Sherloc (09022015). Collection method: clinical testing. Allele origin: germline.
Comment: This variant, c.2431_2436dup, results in the insertion of 2 amino acid(s) of the MERTK protein (p.Asp811_Tyr812dup), but otherwise preserves the integrity of the reading frame. This variant is not present in population databases (gnomAD no frequency). This variant has been observed in individual(s) with retinitis pigmentosa (Invitae). In at least one individual the data is consistent with being in trans (on the opposite chromosome) from a pathogenic variant. In summary, the available evidence is currently insufficient to determine the role of this variant in disease. Therefore, it has been classified as a Variant of Uncertain Significance.

NM_006343.3(MERTK):c.2431_2436dup (p.Tyr812_Leu813insAspTyr)

Gene: MERTK (MER proto-oncogene, tyrosine kinase; plus strand). Cytogenetic location: 2q13.
Variant type: Duplication.
Coding change: c.2431_2436dup on transcript NM_006343.3 (MANE Select); coding-DNA positions 2431 to 2436, 6 bases duplicated (GACTAT; older notation c.2431_2436dupGACTAT).
Protein change: p.Tyr812_Leu813insAspTyr.
Molecular consequence: inframe insertion.
Genome position (GRCh38, 1-based): chr2:112,022,339-112,022,344, GACTAT duplicated; duplicating any 6 consecutive bases within chr2:112,022,336-112,022,344 gives the same sequence; the c. name uses the placement nearest the transcript's 3' end. VCF-style (leftmost placement, unchanged base first): chr2-112022335-G-GTATGAC. GRCh37 (hg19) VCF-style: chr2-112779912-G-GTATGAC.
Identifiers: ClinVar variation 2750719 (VCV002750719.3), dbSNP rs2466916988, ClinGen allele CA2697551017.
Genomic context (GRCh38, chr2:112,022,335, plus strand): 5'-CATGTGGGAAATAGCTACGCGGGGAATGACTCCCTATCCTGGGGTCCAGAACCATGAGAT[G>GTATGAC]TATGACTATCTTCTCCATGGCCACAGGTTGAAGCAGCCCGAAGACTGCCTGGATGAACTG-3'